The following is an entry in ClinVar:

ClinVar aggregate classification (germline): Uncertain significance (1 of 4 stars; one submission).

Conditions:
Cutis laxa, X-linked (OHS). Also called: EDS IX; Occipital horn syndrome. Identifiers: Orphanet 198, MedGen C0268353, MONDO:0010572, OMIM 304150.
X-linked distal spinal muscular atrophy type 3. Also called: ATP7A-Related Distal Motor Neuropathy; SPINAL MUSCULAR ATROPHY, DISTAL, X-LINKED RECESSIVE; NEURONOPATHY, DISTAL HEREDITARY MOTOR, X-LINKED; NEUROPATHY, DISTAL HEREDITARY MOTOR, X-LINKED. Identifiers: Orphanet 139557, MedGen C1845359, MONDO:0010338, OMIM 300489.
Menkes kinky-hair syndrome (MNK). Also called: Classic Menkes Disease; Copper transport disease; Menkes Disease. Identifiers: Orphanet 565, MedGen C0022716, MONDO:0010651, OMIM 309400.

Submission:

Labcorp Genetics (formerly Invitae), Labcorp
Classification: Uncertain significance for X-linked distal spinal muscular atrophy type 3; Cutis laxa, X-linked; Menkes kinky-hair syndrome. Last evaluated: 2021-06-05. Review status: criteria provided, single submitter. Criteria: Invitae Variant Classification Sherloc (09022015). Collection method: clinical testing. Allele origin: germline.
Comment: A copy number gain of the genomic region encompassing the full coding sequence of the ATP7A gene has been identified. The boundaries of this event are unknown as they extend beyond the assayed region for this gene and therefore may encompass additional genes. As the precise location of this event is unknown, it may be in tandem or it may be located elsewhere in the genome. This variant has not been reported in the literature in individuals with ATP7A-related conditions. Experimental studies and prediction algorithms are not available or were not evaluated, and the functional significance of this variant is currently unknown. In summary, the available evidence is currently insufficient to determine the role of this variant in disease. Therefore, it has been classified as a Variant of Uncertain Significance.

NC_000023.10:g.(?_77227129)_(77302077_?)dup

Gene: ATP7A (ATPase copper transporting alpha; plus strand). Cytogenetic location: Xq21.1.
Variant type: Duplication.
Identifiers: ClinVar variation 1485139 (VCV001485139.1).